The following is an entry in ClinVar:

ClinVar aggregate classification (germline): Uncertain significance. Review status: criteria provided, multiple submitters, no conflicts (2 of 4 stars). 2 submissions from 2 submitters: Uncertain significance (2). Last evaluated 2025-12-10.

Conditions:
Emery-Dreifuss muscular dystrophy 5, autosomal dominant (EDMD5). Also called: EMERY-DREIFUSS MUSCULAR DYSTROPHY 5. Identifiers: Orphanet 261, MedGen C2751805, MONDO:0013072, OMIM 612999.

gnomAD v4.1: 11 of 1,613,612 alleles (0.00068%); highest among the groups gnomAD compares: African/African-American, 0.0013%; no homozygotes.

Submissions (2):

Ambry Genetics
Classification: Uncertain significance. Last evaluated: 2025-12-10. Review status: criteria provided, single submitter. Criteria: Ambry Variant Classification Scheme 2023. Collection method: clinical testing. Allele origin: germline.

Labcorp Genetics (formerly Invitae), Labcorp
Classification: Uncertain significance for Emery-Dreifuss muscular dystrophy 5, autosomal dominant. Last evaluated: 2024-02-19. Review status: criteria provided, single submitter. Criteria: Invitae Variant Classification Sherloc (09022015). Collection method: clinical testing. Allele origin: germline.
Comment: This sequence change replaces glutamic acid, which is acidic and polar, with lysine, which is basic and polar, at codon 2105 of the SYNE2 protein (p.Glu2105Lys). This variant is not present in population databases (gnomAD no frequency). This variant has not been reported in the literature in individuals affected with SYNE2-related conditions. An algorithm developed to predict the effect of missense changes on protein structure and function (PolyPhen-2) suggests that this variant is likely to be tolerated. In summary, the available evidence is currently insufficient to determine the role of this variant in disease. Therefore, it has been classified as a Variant of Uncertain Significance.

NM_182914.3(SYNE2):c.6313G>A (p.Glu2105Lys)

Gene: SYNE2 (spectrin repeat containing nuclear envelope protein 2; plus strand). Cytogenetic location: 14q23.2.
Variant type: single nucleotide variant.
Coding change: c.6313G>A on transcript NM_182914.3 (MANE Select); coding-DNA position 6313, G replaced by A.
Protein change: p.Glu2105Lys; replaces glutamic acid 2105 with lysine.
Molecular consequence: missense variant.
Genome position (GRCh38, 1-based): chr14:64,026,639, G>A. VCF-style: chr14-64026639-G-A. GRCh37 (hg19) VCF-style: chr14-64493357-G-A.
Other names: c.6313G>A, p.Glu2105Lys (NM_015180.6); c.6313G>A (NM_182914.2); short protein forms E2105K.
Identifiers: ClinVar variation 3667658 (VCV003667658.3).